The following is an entry in ClinVar:

ClinVar aggregate classification (germline): Benign/Likely benign. Review status: criteria provided, multiple submitters, no conflicts (2 of 4 stars). 4 submissions from 4 submitters: Benign (1); Likely benign (3). Last evaluated 2025-07-06.

Conditions:
Hereditary cancer-predisposing syndrome. Also called: Neoplastic Syndromes, Hereditary; Tumor predisposition; Hereditary Cancer Syndrome; Hereditary neoplastic syndrome. Identifiers: Orphanet 140162, MedGen C0027672, MeSH D009386, MONDO:0015356.
BAP1-related tumor predisposition syndrome (TPDS1). Also called: Tumor susceptibility linked to germline BAP1 mutations; BAP1 tumor predisposition syndrome; COMMON Syndrome; TUMOR PREDISPOSITION SYNDROME 1. Identifiers: Orphanet 289539, MedGen C3280492, MONDO:0013692, OMIM 614327.

Allele frequency attached by ClinVar (database versions not stated): TOPMed below 0.00001; ExAC 0.00001; gnomAD exomes 0.00001.
gnomAD v4.1: 17 of 1,614,142 alleles (0.0011%); highest among the groups gnomAD compares: Non-Finnish European, 0.0014%; no homozygotes.

Submissions (4):

Labcorp Genetics (formerly Invitae), Labcorp
Classification: Likely benign for BAP1-related tumor predisposition syndrome. Last evaluated: 2025-07-06. Review status: criteria provided, single submitter. Criteria: Invitae Variant Classification Sherloc (09022015). Collection method: clinical testing. Allele origin: germline.

Myriad Genetics, Inc.
Classification: Benign for BAP1-related tumor predisposition syndrome. Last evaluated: 2024-07-17. Review status: criteria provided, single submitter. Criteria: Myriad Autosomal Dominant, Autosomal Recessive and X-Linked Classification Criteria (2023). Collection method: clinical testing. Allele origin: unknown.
Comment: This variant is considered benign. This variant is a silent/synonymous amino acid change and it is not expected to impact splicing.

Ambry Genetics
Classification: Likely benign for Hereditary cancer-predisposing syndrome. Last evaluated: 2019-05-20. Review status: criteria provided, single submitter. Criteria: Ambry Variant Classification Scheme 2023. Collection method: clinical testing. Allele origin: germline.

Color Diagnostics, LLC DBA Color Health
Classification: Likely benign for Hereditary cancer-predisposing syndrome. Last evaluated: 2019-01-07. Review status: criteria provided, single submitter. Criteria: ACMG Guidelines, 2015. Collection method: clinical testing. Allele origin: germline.

NM_004656.4(BAP1):c.1827C>T (p.Ser609=)

Gene: BAP1 (BRCA1 associated deubiquitinase 1; minus strand). Cytogenetic location: 3p21.1.
Variant type: single nucleotide variant.
Coding change: c.1827C>T on transcript NM_004656.4 (MANE Select); coding-DNA position 1827, C replaced by T.
Protein change: p.Ser609=; no amino-acid change (serine 609 retained).
Molecular consequence: synonymous variant.
Genome position (GRCh38, 1-based): chr3:52,403,201, G>A on the plus strand (C>T on the coding strand, the complement: BAP1 is on the minus strand). VCF-style: chr3-52403201-G-A. GRCh37 (hg19) VCF-style: chr3-52437217-G-A.
Identifiers: ClinVar variation 820151 (VCV000820151.15), dbSNP rs772835408, ClinGen allele CA2436707.
Genomic context (GRCh38, chr3:52,403,201, plus strand): 5'-GGGTGAGTATTTCTCCCCACTCAAGGGCTCGCCAGGCCTCACCATCCCCGTCTTCTCTCT[G>A]CTGTCCGTGGCTTCCACGACCTCCTTCTCCACTGGGCTGCTGGACCCCTGGCTGCCTTGG-3'
Protein context (NP_004647.1, residues 599-619): VEKEVVEATD[Ser609=]REKTGMVRPG